The following is an entry in ClinVar:

ClinVar aggregate classification (germline): Uncertain significance. Review status: criteria provided, multiple submitters, no conflicts (2 of 4 stars). 5 submissions from 5 submitters: Uncertain significance (4). 1 of the submissions does not count toward it. Last evaluated 2025-08-18.

Conditions:
Hereditary cancer-predisposing syndrome. Also called: Neoplastic Syndromes, Hereditary; Hereditary neoplastic syndrome; Hereditary Cancer Syndrome; Tumor predisposition. Identifiers: Orphanet 140162, MedGen C0027672, MeSH D009386, MONDO:0015356.
POLD1-related polyposis and colorectal cancer syndrome (CRCS10). Also called: Colorectal cancer, susceptibility to, 10; Colorectal cancer 10; COLORECTAL CANCER, SUSCEPTIBILITY TO, ON CHROMOSOME 19q. Identifiers: Orphanet 220460, MedGen C2675481, MONDO:0012953, OMIM 612591.
POLD1-related disorder. Also called: POLD1-related disorders; POLD1-related condition.

Allele frequency attached by ClinVar (database versions not stated): gnomAD 0.00001; gnomAD exomes 0.00002; ExAC 0.00004.
gnomAD v4.1: 34 of 1,591,090 alleles (0.0021%); highest among the groups gnomAD compares: South Asian, 0.014%; no homozygotes.

Submissions (5):

Labcorp Genetics (formerly Invitae), Labcorp
Classification: Uncertain significance for POLD1-related polyposis and colorectal cancer syndrome. Last evaluated: 2025-08-18. Review status: criteria provided, single submitter. Criteria: Invitae Variant Classification Sherloc (09022015). Collection method: clinical testing. Allele origin: germline.
Comment: This sequence change replaces arginine, which is basic and polar, with cysteine, which is neutral and slightly polar, at codon 322 of the POLD1 protein (p.Arg322Cys). This variant is present in population databases (rs750155990, gnomAD 0.02%). This variant has not been reported in the literature in individuals affected with POLD1-related conditions. ClinVar contains an entry for this variant (Variation ID: 408062). Invitae Evidence Modeling of protein sequence and biophysical properties (such as structural, functional, and spatial information, amino acid conservation, physicochemical variation, residue mobility, and thermodynamic stability) indicates that this missense variant is expected to disrupt POLD1 protein function with a positive predictive value of 80%. In summary, the available evidence is currently insufficient to determine the role of this variant in disease. Therefore, it has been classified as a Variant of Uncertain Significance.

St. Jude Molecular Pathology, St. Jude Children's Research Hospital
Classification: Uncertain significance for POLD1-related polyposis and colorectal cancer syndrome. Last evaluated: 2024-07-17. Review status: criteria provided, single submitter. Criteria: St. Jude Assertion Criteria 2020. Collection method: clinical testing. Allele origin: germline.
Comment: The POLD1 c.964C>T (p.Arg322Cys) missense change has a maximum subpopulation frequency of 0.02% in gnomAD v2.1.1. The in silico tool REVEL predicts a benign effect on protein function, but to our knowledge this prediction has not been confirmed by functional studies. To our knowledge, this variant has not been reported in the literature in individuals with POLD1-related disease. In summary, the evidence currently available is insufficient to determine the clinical significance of this variant. It has therefore been classified as of uncertain significance.

Ambry Genetics
Classification: Uncertain significance for Hereditary cancer-predisposing syndrome. Last evaluated: 2024-06-08. Review status: criteria provided, single submitter. Criteria: Ambry Variant Classification Scheme 2023. Collection method: clinical testing. Allele origin: germline.
Comment: The p.R322C variant (also known as c.964C>T), located in coding exon 7 of the POLD1 gene, results from a C to T substitution at nucleotide position 964. The arginine at codon 322 is replaced by cysteine, an amino acid with highly dissimilar properties. This amino acid position is well conserved in available vertebrate species. In addition, the in silico prediction for this alteration is inconclusive. Since supporting evidence is limited at this time, the clinical significance of this alteration remains unclear.

Quest Diagnostics Nichols Institute San Juan Capistrano
Classification: Uncertain significance. Last evaluated: 2022-10-28. Review status: criteria provided, single submitter. Criteria: Quest Diagnostics criteria. Collection method: clinical testing. Allele origin: unknown.
Comment: To the best of our knowledge, the variant has not been reported in the published literature. The frequency of this variant in the general population, 0.0002 (6/29632 chromosomes in South Asian subpopulation), is higher than would generally be expected for pathogenic variants in this gene. Analysis of this variant using bioinformatics tools for the prediction of the effect of amino acid changes on protein structure and function yielded predictions that this variant is damaging. Based on the available information, we are unable to determine the clinical significance of this variant.

PreventionGenetics, part of Exact Sciences
Classification: Uncertain significance for POLD1-related condition. Last evaluated: 2024-04-04. Review status: no assertion criteria provided. Collection method: clinical testing. Allele origin: germline. Not counted in ClinVar's aggregate classification.
Comment: The POLD1 c.964C>T variant is predicted to result in the amino acid substitution p.Arg322Cys. To our knowledge, this variant has not been reported in the literature. This variant is reported in 0.020% of alleles in individuals of South Asian descent in gnomAD and is interpreted as uncertain significance in ClinVar. At this time, the clinical significance of this variant is uncertain due to the absence of conclusive functional and genetic evidence.

NM_002691.4(POLD1):c.964C>T (p.Arg322Cys)

Gene: POLD1 (DNA polymerase delta 1, catalytic subunit; plus strand). Cytogenetic location: 19q13.33.
Variant type: single nucleotide variant.
Coding change: c.964C>T on transcript NM_002691.4 (MANE Select); coding-DNA position 964, C replaced by T.
Protein change: p.Arg322Cys; replaces arginine 322 with cysteine.
Molecular consequence: missense variant. On other transcripts: non-coding transcript variant (1).
Genome position (GRCh38, 1-based): chr19:50,402,735, C>T. VCF-style: chr19-50402735-C-T. GRCh37 (hg19) VCF-style: chr19-50905992-C-T.
Other names: c.964C>T, p.Arg322Cys (NM_001256849.1, NM_001308632.1); short protein forms R322C.
Identifiers: ClinVar variation 408062 (VCV000408062.18), dbSNP rs750155990, ClinGen allele CA9595968.
Genomic context (GRCh38, chr19:50,402,735, plus strand): 5'-GGGCCATGGCAGCGCATTGCGCCCTTGCGCGTGCTCAGCTTCGATATCGAGTGCGCCGGC[C>T]GCAAAGGTCTGTCCCCGGGCCCGGGCTCCTGCCCGCCTCATTGATGTGCCAAGTCGGGGG-3'
Protein context (NP_002682.2, residues 312-332): VLSFDIECAG[Arg322Cys]KGIFPEPERD